The following is an entry in ClinVar:

ClinVar aggregate classification (germline): Uncertain significance. Review status: criteria provided, multiple submitters, no conflicts (2 of 4 stars). 2 submissions from 2 submitters: Uncertain significance (2). Last evaluated 2022-10-13.

Conditions:
Autosomal recessive ataxia, Beauce type. Also called: Spinocerebellar ataxia, autosomal recessive 8; ATAXIA, RECESSIVE, OF BEAUCE; SYNE1-Related Autosomal Recessive Cerebellar Ataxia; SYNE1 Deficiency. Identifiers: Orphanet 88644, MedGen C1853116, MONDO:0012549, OMIM 610743.
Emery-Dreifuss muscular dystrophy 4, autosomal dominant (EDMD4). Also called: EMERY-DREIFUSS MUSCULAR DYSTROPHY 4 WITH VARIABLE FEATURES. Identifiers: Orphanet 261, MedGen C2751807, MONDO:0013071, OMIM 612998.

Allele frequency attached by ClinVar (database versions not stated): gnomAD 0.00001; TOPMed 0.00002; 1000 Genomes Project 30x 0.00031; 1000 Genomes Project 0.00040.
gnomAD v4.1: 7 of 1,614,102 alleles (0.00043%); highest among the groups gnomAD compares: African/African-American, 0.0067%; no homozygotes.

Submissions (2):

Labcorp Genetics (formerly Invitae), Labcorp
Classification: Uncertain significance for Emery-Dreifuss muscular dystrophy 4, autosomal dominant; Autosomal recessive ataxia, Beauce type. Last evaluated: 2022-10-13. Review status: criteria provided, single submitter. Criteria: Invitae Variant Classification Sherloc (09022015). Collection method: clinical testing. Allele origin: germline.
Comment: In summary, the available evidence is currently insufficient to determine the role of this variant in disease. Therefore, it has been classified as a Variant of Uncertain Significance. Algorithms developed to predict the effect of missense changes on protein structure and function are either unavailable or do not agree on the potential impact of this missense change (SIFT: "Deleterious"; PolyPhen-2: "Benign"; Align-GVGD: "Class C0"). This variant has not been reported in the literature in individuals affected with SYNE1-related conditions. This variant is present in population databases (rs147595331, gnomAD 0.007%). This sequence change replaces histidine, which is basic and polar, with arginine, which is basic and polar, at codon 4528 of the SYNE1 protein (p.His4528Arg).

Revvity Omics, Revvity
Classification: Uncertain significance. Last evaluated: 2020-03-09. Review status: criteria provided, single submitter. Criteria: ACMG Guidelines, 2015. Collection method: clinical testing. Allele origin: germline.

NM_182961.4(SYNE1):c.13796A>G (p.His4599Arg)

Gene: SYNE1 (spectrin repeat containing nuclear envelope protein 1; minus strand). Cytogenetic location: 6q25.2.
Variant type: single nucleotide variant.
Coding change: c.13796A>G on transcript NM_182961.4 (MANE Select); coding-DNA position 13796, A replaced by G.
Protein change: p.His4599Arg; replaces histidine 4599 with arginine.
Molecular consequence: missense variant.
Genome position (GRCh38, 1-based): chr6:152,330,889, T>C on the plus strand (A>G on the coding strand, the complement: SYNE1 is on the minus strand). VCF-style: chr6-152330889-T-C. GRCh37 (hg19) VCF-style: chr6-152652024-T-C.
Other names: c.13583A>G, p.His4528Arg (NM_033071.5); short protein forms H4528R, H4599R.
Identifiers: ClinVar variation 2415252 (VCV002415252.9), dbSNP rs147595331, ClinGen allele CA4056121.